The following is an entry in ClinVar:

NM_006996.3(SLC19A2):c.1294C>T (p.Leu432=)

Gene: SLC19A2 (solute carrier family 19 member 2; minus strand). Cytogenetic location: 1q24.2.
Variant type: single nucleotide variant.
Coding change: c.1294C>T on transcript NM_006996.3 (MANE Select); coding-DNA position 1294, C replaced by T.
Protein change: p.Leu432=; no amino-acid change (leucine 432 retained).
Molecular consequence: synonymous variant.
Genome position (GRCh38, 1-based): chr1:169,468,182, G>A on the plus strand (C>T on the coding strand, the complement: SLC19A2 is on the minus strand). VCF-style: chr1-169468182-G-A. GRCh37 (hg19) VCF-style: chr1-169437420-G-A.
Other names: c.1294C>T (NM_006996.2); c.691C>T, p.Leu231= (NM_001319667.1).
Identifiers: ClinVar variation 2764485 (VCV002764485.5), dbSNP rs369961479, ClinGen allele CA1232861.

ClinVar aggregate classification (germline): Likely benign. Review status: criteria provided, multiple submitters, no conflicts (2 of 4 stars). 3 submissions from 3 submitters: Likely benign (3). Last evaluated 2026-08-18.

Conditions:
SLC19A2-related disorder. Also called: SLC19A2-related condition.

Allele frequency attached by ClinVar (database versions not stated): gnomAD 0.00002; TOPMed 0.00003; ExAC 0.00005; ESP Exome Variant Server 0.00008.
gnomAD v4.1: 55 of 1,613,666 alleles (0.0034%); highest among the groups gnomAD compares: Admixed American, 0.0083%; no homozygotes.

Submissions (3):

PreventionGenetics, part of Exact Sciences
Classification: Likely benign for SLC19A2-related condition. Last evaluated: 2026-08-18. Review status: criteria provided, single submitter. Criteria: ACMG Guidelines, 2015. Collection method: clinical testing. Allele origin: germline.
Comment: This variant is classified as likely benign based on ACMG/AMP sequence variant interpretation guidelines (Richards et al. 2015 PMID: 25741868, with internal and published modifications).

Labcorp Genetics (formerly Invitae), Labcorp
Classification: Likely benign. Last evaluated: 2025-11-23. Review status: criteria provided, single submitter. Criteria: Invitae Variant Classification Sherloc (09022015). Collection method: clinical testing. Allele origin: germline.

Blueprint Genetics
Classification: Likely benign. Last evaluated: 2020-05-13. Review status: criteria provided, single submitter. Criteria: ACMG Guidelines, 2015. Collection method: clinical testing. Allele origin: germline.